The following is an entry in ClinVar:

ClinVar aggregate classification (germline): Uncertain significance. Review status: criteria provided, multiple submitters, no conflicts (2 of 4 stars). 2 submissions from 2 submitters: Uncertain significance (2). Last evaluated 2025-11-03.

Conditions:
Hereditary cancer-predisposing syndrome. Also called: Hereditary neoplastic syndrome; Hereditary Cancer Syndrome; Neoplastic Syndromes, Hereditary; Tumor predisposition. Identifiers: Orphanet 140162, MedGen C0027672, MeSH D009386, MONDO:0015356.
DICER1-related tumor predisposition. Also called: DICER1-related pleuropulmonary blastoma cancer predisposition syndrome; DICER1 syndrome. Identifiers: Orphanet 284343, MedGen C3839822, MONDO:0100216.

Submissions (2):

Labcorp Genetics (formerly Invitae), Labcorp
Classification: Uncertain significance for DICER1-related tumor predisposition. Last evaluated: 2025-11-03. Review status: criteria provided, single submitter. Criteria: Invitae Variant Classification Sherloc (09022015). Collection method: clinical testing. Allele origin: germline.
Comment: This sequence change replaces lysine, which is basic and polar, with threonine, which is neutral and polar, at codon 833 of the DICER1 protein (p.Lys833Thr). This variant is not present in population databases (gnomAD no frequency). This variant has not been reported in the literature in individuals affected with DICER1-related conditions. Invitae Evidence Modeling of protein sequence and biophysical properties (such as structural, functional, and spatial information, amino acid conservation, physicochemical variation, residue mobility, and thermodynamic stability) indicates that this missense variant is not expected to disrupt DICER1 protein function with a negative predictive value of 95%. In summary, the available evidence is currently insufficient to determine the role of this variant in disease. Therefore, it has been classified as a Variant of Uncertain Significance.

Ambry Genetics
Classification: Uncertain significance for Hereditary cancer-predisposing syndrome. Last evaluated: 2025-10-07. Review status: criteria provided, single submitter. Criteria: Ambry Variant Classification Scheme 2023. Collection method: clinical testing. Allele origin: germline.
Comment: The p.K833T variant (also known as c.2498A>C), located in coding exon 15 of the DICER1 gene, results from an A to C substitution at nucleotide position 2498. The lysine at codon 833 is replaced by threonine, an amino acid with similar properties. This amino acid position is conserved. In addition, the in silico prediction for this alteration is inconclusive. Based on the available evidence, the clinical significance of this variant remains unclear.

NM_177438.3(DICER1):c.2498A>C (p.Lys833Thr)

Gene: DICER1 (dicer 1, ribonuclease III; minus strand). Cytogenetic location: 14q32.13.
Variant type: single nucleotide variant.
Coding change: c.2498A>C on transcript NM_177438.3 (MANE Select); coding-DNA position 2498, A replaced by C.
Protein change: p.Lys833Thr; replaces lysine 833 with threonine.
Molecular consequence: missense variant. On other transcripts: non-coding transcript variant (6).
Genome position (GRCh38, 1-based): chr14:95,108,032, T>G on the plus strand (A>C on the coding strand, the complement: DICER1 is on the minus strand). VCF-style: chr14-95108032-T-G. GRCh37 (hg19) VCF-style: chr14-95574369-T-G.
Other names: c.2498A>C, p.Lys833Thr (NM_001195573.1, NM_001271282.3, NM_001291628.2 and 12 more transcripts); c.2216A>C, p.Lys739Thr (NM_001395686.1); c.2093A>C, p.Lys698Thr (NM_001395687.1, NM_001395688.1, NM_001395689.1 and 2 more transcripts); c.1931A>C, p.Lys644Thr (NM_001395691.1); c.815A>C, p.Lys272Thr (NM_001395697.1); short protein forms K739T, K644T, K698T, K272T, K833T.
Identifiers: ClinVar variation 4637089 (VCV004637089.2).